The following is an entry in ClinVar:

NM_017686.4(GDAP2):c.759A>G (p.Arg253=)

Gene: GDAP2 (ganglioside induced differentiation associated protein 2; minus strand). Cytogenetic location: 1p12.
Variant type: single nucleotide variant.
Coding change: c.759A>G on transcript NM_017686.4 (MANE Select); coding-DNA position 759, A replaced by G.
Protein change: p.Arg253=; no amino-acid change (arginine 253 retained).
Molecular consequence: synonymous variant.
Genome position (GRCh38, 1-based): chr1:117,899,094, T>C on the plus strand (A>G on the coding strand, the complement: GDAP2 is on the minus strand). VCF-style: chr1-117899094-T-C. GRCh37 (hg19) VCF-style: chr1-118441716-T-C.
Other names: c.759A>G, p.Arg253= (NM_001135589.3).
Identifiers: ClinVar variation 3040307 (VCV003040307.18), dbSNP rs17037743, ClinGen allele CA1031553.
Genomic context (GRCh38, chr1:117,899,094, plus strand): 5'-AAAGTTAGAGCTCTAGAACTCACCTTCTGGAGCACCAGGTTTCTCACTTATTCTAATCTG[T>C]CGTTCAGGTACCACAGGCTCCCCTTCTGCATTTCCAATATCTGCAGGTAGGTAGGGCAAT-3'
Protein context (NP_060156.1, residues 243-263): NAEGEPVVPE[Arg253=]QIRISEKPGA

ClinVar aggregate classification (germline): Likely benign. Review status: criteria provided, multiple submitters, no conflicts (2 of 4 stars). 3 submissions from 3 submitters: Likely benign (2). 1 of the submissions does not count toward it. Last evaluated 2026-08-01.

Conditions:
GDAP2-related disorder. Also called: GDAP2-related condition.

Allele frequency attached by ClinVar (database versions not stated): gnomAD exomes 0.00084; ExAC 0.00152; ESP Exome Variant Server 0.00284; gnomAD 0.00326; TOPMed 0.00386; 1000 Genomes Project 30x 0.00484; 1000 Genomes Project 0.00499.
gnomAD v4.1: 1,794 of 1,613,516 alleles (0.11%); highest among the groups gnomAD compares: African/African-American, 0.77%; 4 homozygotes.

Submissions (3):

CeGaT Center for Human Genetics Tuebingen
Classification: Likely benign. Last evaluated: 2026-08-01. Review status: criteria provided, single submitter. Criteria: CeGaT Center For Human Genetics Tuebingen Variant Classification Criteria Version 2. Collection method: clinical testing. Allele origin: germline. Affected: yes. Observed: 3 variant alleles.
Comment: GDAP2: BP4, BP7

Blueprint Genetics
Classification: Likely benign. Last evaluated: 2024-11-13. Review status: criteria provided, single submitter. Criteria: ACMG Guidelines, 2015. Collection method: clinical testing. Allele origin: germline.

PreventionGenetics, part of Exact Sciences
Classification: Likely benign for GDAP2-related condition. Last evaluated: 2019-12-18. Review status: no assertion criteria provided. Collection method: clinical testing. Allele origin: germline. Not counted in ClinVar's aggregate classification.
Comment: This variant is classified as likely benign based on ACMG/AMP sequence variant interpretation guidelines (Richards et al. 2015 PMID: 25741868, with internal and published modifications).